The following is an entry in ClinVar:

NM_000038.6(APC):c.4228T>C (p.Cys1410Arg)

Gene: APC (APC regulator of Wnt signaling pathway; plus strand). Cytogenetic location: 5q22.2.
Variant type: single nucleotide variant.
Coding change: c.4228T>C on transcript NM_000038.6 (MANE Select); coding-DNA position 4228, T replaced by C.
Protein change: p.Cys1410Arg; replaces cysteine 1410 with arginine.
Molecular consequence: missense variant. On other transcripts: non-coding transcript variant (2).
Genome position (GRCh38, 1-based): chr5:112,839,822, T>C. VCF-style: chr5-112839822-T-C. GRCh37 (hg19) VCF-style: chr5-112175519-T-C.
Other names: c.4228T>C, p.Cys1410Arg (NM_001127510.3, NM_001354895.2, NM_001407450.1); c.4174T>C, p.Cys1392Arg (NM_001127511.3); c.4282T>C, p.Cys1428Arg (NM_001354896.2, NM_001407447.1, NM_001407448.1 and 1 more transcripts); c.4258T>C, p.Cys1420Arg (NM_001354897.2); c.4153T>C, p.Cys1385Arg (NM_001354898.2); c.4144T>C, p.Cys1382Arg (NM_001354899.2); c.4105T>C, p.Cys1369Arg (NM_001354900.2); c.4051T>C, p.Cys1351Arg (NM_001354901.2, NM_001407453.1); and 11 more; short protein forms C1281R, C1284R, C1319R, C1392R, C1403R, C1026R, C1127R, C1250R.
Identifiers: ClinVar variation 3692141 (VCV003692141.2).

ClinVar aggregate classification (germline): Uncertain significance (1 of 4 stars; one submission).

Conditions:
Familial adenomatous polyposis 1 (FAP1). Also called: FAMILIAL ADENOMATOUS POLYPOSIS 1, ATTENUATED; POLYPOSIS, ADENOMATOUS INTESTINAL. Identifiers: MedGen C2713442, MONDO:0021056, OMIM 175100. Disease mechanism: loss of function.

Submission:

Labcorp Genetics (formerly Invitae), Labcorp
Classification: Uncertain significance for Familial adenomatous polyposis 1. Last evaluated: 2024-06-26. Review status: criteria provided, single submitter. Criteria: Invitae Variant Classification Sherloc (09022015). Collection method: clinical testing. Allele origin: germline.
Comment: This sequence change replaces cysteine, which is neutral and slightly polar, with arginine, which is basic and polar, at codon 1410 of the APC protein (p.Cys1410Arg). This variant is not present in population databases (gnomAD no frequency). This variant has not been reported in the literature in individuals affected with APC-related conditions. Advanced modeling of protein sequence and biophysical properties (such as structural, functional, and spatial information, amino acid conservation, physicochemical variation, residue mobility, and thermodynamic stability) performed at Invitae indicates that this missense variant is not expected to disrupt APC protein function with a negative predictive value of 95%. In summary, the available evidence is currently insufficient to determine the role of this variant in disease. Therefore, it has been classified as a Variant of Uncertain Significance.